The following is an entry in ClinVar:

NM_144498.4(OSBPL2):c.1249+4C>T

Gene: OSBPL2 (oxysterol binding protein like 2; plus strand). Cytogenetic location: 20q13.33.
Variant type: single nucleotide variant.
Coding change: c.1249+4C>T on transcript NM_144498.4 (MANE Select); 4 bases into the intron after coding-DNA position 1249, C replaced by T.
Molecular consequence: intron variant.
Genome position (GRCh38, 1-based): chr20:62,289,334, C>T. VCF-style: chr20-62289334-C-T. GRCh37 (hg19) VCF-style: chr20-60864390-C-T.
Other names: p.?; c.973+4C>T (NM_001363878.2); c.1213+4C>T (NM_014835.5); c.850-2369C>T (NM_001278649.3); c.1249+4C>T (NM_144498.3).
Identifiers: ClinVar variation 506081 (VCV000506081.17), dbSNP rs3746657, ClinGen allele CA9938742.
Genomic context (GRCh38, chr20:62,289,334, plus strand): 5'-CACCCACGGACTGCCGCCTGCGCCCTGACATCCGCGGCATGGAGAATGGCAACATGGGTG[C>T]GTCCACGCAGTCAGAGGAGGAAGCTTGGGGCCAAGGACGCCCTGGCTAGGGTGGGAGAGC-3'

ClinVar aggregate classification (germline): Benign. Review status: criteria provided, multiple submitters, no conflicts (2 of 4 stars). 6 submissions from 6 submitters: Benign (6). Last evaluated 2026-02-04.

Conditions:
Autosomal dominant nonsyndromic hearing loss 67. Also called: Deafness, autosomal dominant 67. Identifiers: Orphanet 90635, MedGen C4084712, MONDO:0014594, OMIM 616340.

Allele frequency attached by ClinVar (database versions not stated): ESP Exome Variant Server 0.40257; gnomAD 0.41122 and 0.41460; TOPMed 0.41463; 1000 Genomes Project 30x 0.41771; 1000 Genomes Project 0.42472; gnomAD exomes 0.45731 and 0.45800; ExAC 0.46835.
gnomAD v4.1: 730,477 of 1,609,824 alleles (45%); highest among the groups gnomAD compares: East Asian, 53%; 167,728 homozygotes.

Submissions (6):

Labcorp Genetics (formerly Invitae), Labcorp
Classification: Benign. Last evaluated: 2026-02-04. Review status: criteria provided, single submitter. Criteria: Invitae Variant Classification Sherloc (09022015). Collection method: clinical testing. Allele origin: germline.

Genome-Nilou Lab
Classification: Benign for Autosomal dominant nonsyndromic hearing loss 67. Last evaluated: 2021-09-05. Review status: criteria provided, single submitter. Criteria: ACMG Guidelines, 2015. Collection method: clinical testing. Allele origin: germline. Affected: no.

Mayo Clinic Laboratories, Mayo Clinic
Classification: Benign. Last evaluated: 2020-08-28. Review status: criteria provided, single submitter. Criteria: ACMG Guidelines, 2015. Collection method: clinical testing. Allele origin: germline. Observed: 113 variant alleles.

Laboratory for Molecular Medicine, Mass General Brigham Personalized Medicine
Classification: Benign. Last evaluated: 2017-08-23. Review status: criteria provided, single submitter. Criteria: LMM Criteria. Collection method: clinical testing. Allele origin: germline. Observed: 200 variant alleles.
Comment: c.1249+4C>T in intron 12 of OSBPL2: This variant is not expected to have clinica l significance because it has been identified in 55.49% (5823/10494) of Latino c hromosomes by the Exome Aggregation Consortium (ExAC .org; dbSNP rs3746657).

GeneDx
Classification: Benign. Last evaluated: 2017-05-09. Review status: criteria provided, single submitter. Criteria: GeneDx Variant Classification (06012015). Collection method: clinical testing. Allele origin: germline. Affected: yes.
Comment: This variant is considered likely benign or benign based on one or more of the following criteria: it is a conservative change, it occurs at a poorly conserved position in the protein, it is predicted to be benign by multiple in silico algorithms, and/or has population frequency not consistent with disease.

Breakthrough Genomics
Classification: Benign. Review status: criteria provided, single submitter. Criteria: ACMG Guidelines, 2015. Collection method: not provided. Allele origin: germline. Inheritance: Autosomal dominant inheritance. Affected: yes.